The following is an entry in ClinVar:

ClinVar aggregate classification (germline): Conflicting classifications of pathogenicity. Review status: criteria provided, conflicting classifications (1 of 4 stars). 4 submissions from 4 submitters: Uncertain significance (2); Benign (1). 1 of the submissions does not count toward it. Last evaluated 2025-07-21.

Conditions:
NEB-related disorder. Also called: NEB-Related Disorders; NEB-related condition.
Inborn genetic diseases. Identifiers: MedGen C0950123, MeSH D030342.
Nemaline myopathy 2 (NEM2). Also called: Nemaline myopathy 2, autosomal recessive. Identifiers: MedGen C1850569, MONDO:0009725, OMIM 256030.

Allele frequency attached by ClinVar (database versions not stated): gnomAD exomes 0.00001 and 0.00002; ExAC 0.00002; gnomAD 0.00017 and 0.00019; TOPMed 0.00017; ESP Exome Variant Server 0.00025.
gnomAD v4.1: 38 of 1,613,452 alleles (0.0024%); highest among the groups gnomAD compares: African/African-American, 0.045%; no homozygotes.

Submissions (4):

Labcorp Genetics (formerly Invitae), Labcorp
Classification: Benign for Nemaline myopathy 2. Last evaluated: 2025-07-21. Review status: criteria provided, single submitter. Criteria: Invitae Variant Classification Sherloc (09022015). Collection method: clinical testing. Allele origin: germline.

Ambry Genetics
Classification: Uncertain significance for Inborn genetic diseases. Last evaluated: 2024-09-02. Review status: criteria provided, single submitter. Criteria: Ambry Variant Classification Scheme 2023. Collection method: clinical testing. Allele origin: germline.

PreventionGenetics, part of Exact Sciences
Classification: Uncertain significance for NEB-related condition. Last evaluated: 2023-08-31. Review status: criteria provided, single submitter. Criteria: ACMG Guidelines, 2015. Collection method: clinical testing. Allele origin: germline.
Comment: The NEB c.25464A>C variant is predicted to result in the amino acid substitution p.Gln8488His. To our knowledge, this variant has not been reported in the literature. This variant is reported in 0.033% of alleles in individuals of African descent in gnomAD. At this time, the clinical significance of this variant is uncertain due to the absence of conclusive functional and genetic evidence.

Natera, Inc.
Classification: Uncertain significance for Nemaline myopathy type 2. Last evaluated: 2019-11-11. Review status: no assertion criteria provided. Collection method: clinical testing. Allele origin: germline. Not counted in ClinVar's aggregate classification.

NM_001164508.2(NEB):c.25359A>C (p.Gln8453His)

Genes: NEB (nebulin; minus strand), RIF1 (replication timing regulatory factor 1; plus strand). Cytogenetic location: 2q23.3.
Variant type: single nucleotide variant.
Coding change: c.25359A>C on transcript NM_001164508.2 (MANE Select); coding-DNA position 25359, A replaced by C.
Protein change: p.Gln8453His; replaces glutamine 8453 with histidine.
Molecular consequence: missense variant.
Genome position (GRCh38, 1-based): chr2:151,490,016, T>G on the plus strand (A>C on the coding strand, the complement: NEB is on the minus strand). VCF-style: chr2-151490016-T-G. GRCh37 (hg19) VCF-style: chr2-152346530-T-G.
Other names: c.25359A>C, p.Gln8453His (NM_001164507.2); c.25464A>C, p.Gln8488His (NM_001271208.2); c.19791A>C, p.Gln6597His (NM_004543.5); c.19791A>C (NM_004543.4); short protein forms Q8488H, Q8453H, Q6597H.
Identifiers: ClinVar variation 575495 (VCV000575495.11), dbSNP rs377748897, ClinGen allele CA1905730.